The following is an entry in ClinVar:

NM_000136.3(FANCC):c.427A>G (p.Ile143Val)

Gene: FANCC (FA complementation group C; minus strand). Cytogenetic location: 9q22.32.
Variant type: single nucleotide variant.
Coding change: c.427A>G on transcript NM_000136.3 (MANE Select); coding-DNA position 427, A replaced by G.
Protein change: p.Ile143Val; replaces isoleucine 143 with valine.
Molecular consequence: missense variant.
Genome position (GRCh38, 1-based): chr9:95,172,066, T>C on the plus strand (A>G on the coding strand, the complement: FANCC is on the minus strand). VCF-style: chr9-95172066-T-C. GRCh37 (hg19) VCF-style: chr9-97934348-T-C.
Other names: c.427A>G, p.Ile143Val (NM_001243743.2, NM_001243744.2); short protein forms I143V.
Identifiers: ClinVar variation 3512760 (VCV003512760.1).

ClinVar aggregate classification (germline): Uncertain significance (1 of 4 stars; one submission).

Conditions:
Hereditary cancer-predisposing syndrome. Also called: Tumor predisposition; Neoplastic Syndromes, Hereditary; Hereditary Cancer Syndrome; Hereditary neoplastic syndrome. Identifiers: Orphanet 140162, MedGen C0027672, MeSH D009386, MONDO:0015356.

gnomAD v4.1: 7 of 1,611,640 alleles (0.00043%); highest among the groups gnomAD compares: East Asian, 0.0022%; no homozygotes.

Submission:

Ambry Genetics
Classification: Uncertain significance for Hereditary cancer-predisposing syndrome. Last evaluated: 2024-10-01. Review status: criteria provided, single submitter. Criteria: Ambry Variant Classification Scheme 2023. Collection method: clinical testing. Allele origin: germline.
Comment: The p.I143V variant (also known as c.427A>G), located in coding exon 4 of the FANCC gene, results from an A to G substitution at nucleotide position 427. The isoleucine at codon 143 is replaced by valine, an amino acid with highly similar properties. This amino acid position is conserved. In addition, this alteration is predicted to be tolerated by in silico analysis. Based on the available evidence, the clinical significance of this variant remains unclear.